The following is an entry in ClinVar:

NM_139057.4(ADAMTS17):c.724G>T (p.Ala242Ser)

Gene: ADAMTS17 (ADAM metallopeptidase with thrombospondin type 1 motif 17; minus strand). Cytogenetic location: 15q26.3.
Variant type: single nucleotide variant.
Coding change: c.724G>T on transcript NM_139057.4 (MANE Select); coding-DNA position 724, G replaced by T.
Protein change: p.Ala242Ser; replaces alanine 242 with serine.
Molecular consequence: missense variant.
Genome position (GRCh38, 1-based): chr15:100,281,294, C>A on the plus strand (G>T on the coding strand, the complement: ADAMTS17 is on the minus strand). VCF-style: chr15-100281294-C-A. GRCh37 (hg19) VCF-style: chr15-100821499-C-A.
Other names: c.724G>T (NM_139057.2); short protein forms A242S.
Identifiers: ClinVar variation 1405398 (VCV001405398.6), dbSNP rs376420999, ClinGen allele CA7758598.

ClinVar aggregate classification (germline): Uncertain significance. Review status: criteria provided, multiple submitters, no conflicts (2 of 4 stars). 2 submissions from 2 submitters: Uncertain significance (2). Last evaluated 2025-08-25.

Conditions:
Inborn genetic diseases. Identifiers: MedGen C0950123, MeSH D030342.

gnomAD v4.1: 42 of 1,608,818 alleles (0.0026%); highest among the groups gnomAD compares: Non-Finnish European, 0.0034%; no homozygotes.

Submissions (2):

Ambry Genetics
Classification: Uncertain significance for Inborn genetic diseases. Last evaluated: 2025-08-25. Review status: criteria provided, single submitter. Criteria: Ambry Variant Classification Scheme 2023. Collection method: clinical testing. Allele origin: germline.

Labcorp Genetics (formerly Invitae), Labcorp
Classification: Uncertain significance. Last evaluated: 2022-08-15. Review status: criteria provided, single submitter. Criteria: Invitae Variant Classification Sherloc (09022015). Collection method: clinical testing. Allele origin: germline.
Comment: In summary, the available evidence is currently insufficient to determine the role of this variant in disease. Therefore, it has been classified as a Variant of Uncertain Significance. Algorithms developed to predict the effect of missense changes on protein structure and function are either unavailable or do not agree on the potential impact of this missense change (SIFT: "Not Available"; PolyPhen-2: "Benign"; Align-GVGD: "Not Available"). ClinVar contains an entry for this variant (Variation ID: 1405398). This variant has not been reported in the literature in individuals affected with ADAMTS17-related conditions. This variant is present in population databases (rs376420999, gnomAD 0.005%). This sequence change replaces alanine, which is neutral and non-polar, with serine, which is neutral and polar, at codon 242 of the ADAMTS17 protein (p.Ala242Ser).